The following is an entry in ClinVar:

NM_002160.4(TNC):c.1634G>T (p.Gly545Val)

Gene: TNC (tenascin C; minus strand). Cytogenetic location: 9q33.1.
Variant type: single nucleotide variant.
Coding change: c.1634G>T on transcript NM_002160.4 (MANE Select); coding-DNA position 1634, G replaced by T.
Protein change: p.Gly545Val; replaces glycine 545 with valine.
Molecular consequence: missense variant.
Genome position (GRCh38, 1-based): chr9:115,086,097, C>A on the plus strand (G>T on the coding strand, the complement: TNC is on the minus strand). VCF-style: chr9-115086097-C-A. GRCh37 (hg19) VCF-style: chr9-117848376-C-A.
Other names: short protein forms G545V.
Identifiers: ClinVar variation 1316111 (VCV001316111.5), dbSNP rs148675378, ClinGen allele CA5208762.

ClinVar aggregate classification (germline): Conflicting classifications of pathogenicity. Review status: criteria provided, conflicting classifications (1 of 4 stars). 3 submissions from 3 submitters: Uncertain significance (1); Likely benign (1). 1 of the submissions does not count toward it. Last evaluated 2025-08-03.

Conditions:
TNC-related disorder. Also called: TNC-related condition.

Allele frequency attached by ClinVar (database versions not stated): gnomAD exomes 0.00007 and 0.00020; ExAC 0.00026; 1000 Genomes Project 0.00060; gnomAD 0.00075 and 0.00078; 1000 Genomes Project 30x 0.00078; TOPMed 0.00088; ESP Exome Variant Server 0.00108.
gnomAD v4.1: 218 of 1,613,440 alleles (0.014%); highest among the groups gnomAD compares: African/African-American, 0.26%; 1 homozygote.

Submissions (3):

Ambry Genetics
Classification: Uncertain significance. Last evaluated: 2025-08-03. Review status: criteria provided, single submitter. Criteria: Ambry Variant Classification Scheme 2023. Collection method: clinical testing. Allele origin: germline.

GeneDx
Classification: Likely benign. Last evaluated: 2020-10-16. Review status: criteria provided, single submitter. Criteria: GeneDx Variant Classification Process June 2021. Collection method: clinical testing. Allele origin: germline. Affected: yes.
Comment: Has not been previously published as pathogenic or benign to our knowledge; Variants in candidate genes are classified as variants of uncertain significance in accordance with ACMG guidelines (Richards et al., 2015)

PreventionGenetics, part of Exact Sciences
Classification: Likely benign for TNC-related condition. Last evaluated: 2024-03-18. Review status: no assertion criteria provided. Collection method: clinical testing. Allele origin: germline. Not counted in ClinVar's aggregate classification.
Comment: This variant is classified as likely benign based on ACMG/AMP sequence variant interpretation guidelines (Richards et al. 2015 PMID: 25741868, with internal and published modifications).